The following is an entry in ClinVar:

NM_020975.6(RET):c.1557T>C (p.Cys519=)

Gene: RET (ret proto-oncogene; plus strand). Cytogenetic location: 10q11.21.
Variant type: single nucleotide variant.
Coding change: c.1557T>C on transcript NM_020975.6 (MANE Select); coding-DNA position 1557, T replaced by C.
Protein change: p.Cys519=; no amino-acid change (cysteine 519 retained).
Molecular consequence: synonymous variant.
Genome position (GRCh38, 1-based): chr10:43,112,133, T>C. VCF-style: chr10-43112133-T-C. GRCh37 (hg19) VCF-style: chr10-43607581-T-C.
Other names: c.1557T>C, p.Cys519= (NM_000323.2, NM_001406743.1, NM_001406744.1 and 6 more transcripts); c.795T>C, p.Cys265= (NM_001355216.2); c.1428T>C, p.Cys476= (NM_001406761.1, NM_001406762.1, NM_001406764.1 and 1 more transcripts); c.1269T>C, p.Cys423= (NM_001406766.1, NM_001406767.1, NM_001406770.1); c.1161T>C, p.Cys387= (NM_001406769.1, NM_001406772.1); c.1119T>C, p.Cys373= (NM_001406771.1, NM_001406773.1); c.1032T>C, p.Cys344= (NM_001406774.1); c.831T>C, p.Cys277= (NM_001406775.1, NM_001406776.1, NM_001406777.1 and 1 more transcripts); and 5 more.
Identifiers: ClinVar variation 1572234 (VCV001572234.11), dbSNP rs2132797536, ClinGen allele CA469027621.

ClinVar aggregate classification (germline): Benign/Likely benign. Review status: criteria provided, multiple submitters, no conflicts (2 of 4 stars). 3 submissions from 3 submitters: Benign (1); Likely benign (2). Last evaluated 2026-04-05.

Conditions:
Hereditary cancer-predisposing syndrome. Also called: Hereditary Cancer Syndrome; Neoplastic Syndromes, Hereditary; Hereditary neoplastic syndrome; Tumor predisposition. Identifiers: Orphanet 140162, MedGen C0027672, MeSH D009386, MONDO:0015356.
Multiple endocrine neoplasia, type 2 (MEN2). Identifiers: Orphanet 653, MedGen C4048306, MONDO:0019003. Disease mechanism: gain of function.
Multiple endocrine neoplasia type 2A. Also called: Multiple Endocrine Neoplasia Type 2A (MEN2A); MULTIPLE ENDOCRINE NEOPLASIA, TYPE IIA; PTC SYNDROME; SIPPLE SYNDROME; MEN 2A; MEN-2A syndrome. Identifiers: Orphanet 247698, Orphanet 653, MedGen C0025268, MeSH D018813, MONDO:0008234, OMIM 171400.

Submissions (3):

Ambry Genetics
Classification: Likely benign for Hereditary cancer-predisposing syndrome. Last evaluated: 2026-04-05. Review status: criteria provided, single submitter. Criteria: Ambry Variant Classification Scheme 2023. Collection method: clinical testing. Allele origin: germline.

Labcorp Genetics (formerly Invitae), Labcorp
Classification: Likely benign for Multiple endocrine neoplasia, type 2. Last evaluated: 2025-12-22. Review status: criteria provided, single submitter. Criteria: Invitae Variant Classification Sherloc (09022015). Collection method: clinical testing. Allele origin: germline.

Myriad Genetics, Inc.
Classification: Benign for Multiple endocrine neoplasia type 2A. Last evaluated: 2025-02-25. Review status: criteria provided, single submitter. Criteria: Myriad Autosomal Dominant, Autosomal Recessive and X-Linked Classification Criteria (2023). Collection method: clinical testing. Allele origin: unknown.
Comment: This variant is considered benign. This variant is a silent/synonymous amino acid change and it is not expected to impact splicing.